The following is an entry in ClinVar:

NM_024809.5(TCTN2):c.806C>G (p.Thr269Ser)

Gene: TCTN2 (tectonic family member 2; plus strand). Cytogenetic location: 12q24.31.
Variant type: single nucleotide variant.
Coding change: c.806C>G on transcript NM_024809.5 (MANE Select); coding-DNA position 806, C replaced by G.
Protein change: p.Thr269Ser; replaces threonine 269 with serine.
Molecular consequence: missense variant.
Genome position (GRCh38, 1-based): chr12:123,688,092, C>G. VCF-style: chr12-123688092-C-G. GRCh37 (hg19) VCF-style: chr12-124172639-C-G.
Other names: c.803C>G, p.Thr268Ser (NM_001143850.3); c.806C>G, p.Thr269Ser (NM_001410989.1); short protein forms T268S, T269S.
Identifiers: ClinVar variation 2119604 (VCV002119604.5), dbSNP rs921760934, ClinGen allele CA245162103.

ClinVar aggregate classification (germline): Uncertain significance. Review status: criteria provided, multiple submitters, no conflicts (2 of 4 stars). 2 submissions from 2 submitters: Uncertain significance (2). Last evaluated 2024-05-13.

Conditions:
Joubert syndrome. Also called: CEREBELLOPARENCHYMAL DISORDER IV; JOUBERT-BOLTSHAUSER SYNDROME; Familial aplasia of the vermis. Identifiers: Orphanet 475, MedGen C5979921, MONDO:0018772.
Meckel-Gruber syndrome. Also called: DYSENCEPHALIA SPLANCHNOCYSTICA; GRUBER SYNDROME; Dysencephalia splachnocystica. Identifiers: Orphanet 564, MedGen C0265215, MONDO:0018921.
Meckel syndrome, type 8. Identifiers: Orphanet 564, MedGen C3836857, MONDO:0013482, OMIM 613885.
Joubert syndrome 24 (JBTS24). Identifiers: Orphanet 475, MedGen C4084841, MONDO:0014724, OMIM 616654.

Submissions (2):

Fulgent Genetics
Classification: Uncertain significance for Meckel syndrome, type 8; Joubert syndrome 24. Last evaluated: 2024-05-13. Review status: criteria provided, single submitter. Criteria: ACMG Guidelines, 2015. Collection method: clinical testing. Allele origin: germline.

Labcorp Genetics (formerly Invitae), Labcorp
Classification: Uncertain significance for Joubert syndrome; Meckel-Gruber syndrome. Last evaluated: 2022-03-29. Review status: criteria provided, single submitter. Criteria: Invitae Variant Classification Sherloc (09022015). Collection method: clinical testing. Allele origin: germline.
Comment: This variant has not been reported in the literature in individuals affected with TCTN2-related conditions. This sequence change replaces threonine, which is neutral and polar, with serine, which is neutral and polar, at codon 269 of the TCTN2 protein (p.Thr269Ser). This variant is not present in population databases (gnomAD no frequency). Algorithms developed to predict the effect of missense changes on protein structure and function output the following: SIFT: "Tolerated"; PolyPhen-2: "Benign"; Align-GVGD: "Class C0". The serine amino acid residue is found in multiple mammalian species, which suggests that this missense change does not adversely affect protein function. In summary, the available evidence is currently insufficient to determine the role of this variant in disease. Therefore, it has been classified as a Variant of Uncertain Significance.